The following is an entry in ClinVar:

NM_024596.5(MCPH1):c.634G>A (p.Ala212Thr)

Gene: MCPH1 (microcephalin 1; plus strand). Cytogenetic location: 8p23.1.
Variant type: single nucleotide variant.
Coding change: c.634G>A on transcript NM_024596.5 (MANE Select); coding-DNA position 634, G replaced by A.
Protein change: p.Ala212Thr; replaces alanine 212 with threonine.
Molecular consequence: missense variant. On other transcripts: non-coding transcript variant (1).
Genome position (GRCh38, 1-based): chr8:6,442,120, G>A. VCF-style: chr8-6442120-G-A. GRCh37 (hg19) VCF-style: chr8-6299641-G-A.
Other names: c.634G>A, p.Ala212Thr (NM_001172574.2, NM_001322042.2, NM_001363979.1 and 1 more transcripts); c.490G>A, p.Ala164Thr (NM_001172575.2); c.628G>A, p.Ala210Thr (NM_001322043.2); c.532G>A, p.Ala178Thr (NM_001322045.2); short protein forms A212T, A178T, A210T, A164T.
Identifiers: ClinVar variation 158872 (VCV000158872.24), dbSNP rs2922828, ClinGen allele CA172539.

ClinVar aggregate classification (germline): Benign. Review status: criteria provided, multiple submitters, no conflicts (2 of 4 stars). 9 submissions from 9 submitters: Benign (6). 3 of the submissions do not count toward it. Last evaluated 2026-02-04.

Conditions:
Microcephaly 1, primary, autosomal recessive (MCPH1). Also called: PREMATURE CHROMOSOME CONDENSATION SYNDROME; PCC SYNDROME; PREMATURE CHROMOSOME CONDENSATION WITH MICROCEPHALY AND MENTAL RETARDATION. Identifiers: Orphanet 2512, MedGen C1855081, MONDO:0009617, OMIM 251200.

Allele frequency attached by ClinVar (database versions not stated): gnomAD exomes 0.00363; ExAC 0.00472; ESP Exome Variant Server 0.01456; gnomAD 0.01494 and 0.01586; TOPMed 0.01606; 1000 Genomes Project 0.01857; 1000 Genomes Project 30x 0.01983.
gnomAD v4.1: 4,545 of 1,613,298 alleles (0.28%); highest among the groups gnomAD compares: African/African-American, 5.1%; 101 homozygotes.

Submissions (9):

Labcorp Genetics (formerly Invitae), Labcorp
Classification: Benign. Last evaluated: 2026-02-04. Review status: criteria provided, single submitter. Criteria: Invitae Variant Classification Sherloc (09022015). Collection method: clinical testing. Allele origin: germline.

Athena Diagnostics
Classification: Benign. Last evaluated: 2018-06-14. Review status: criteria provided, single submitter. Criteria: Athena Diagnostics Criteria. Collection method: clinical testing. Allele origin: germline.

Illumina Laboratory Services, Illumina
Classification: Benign for Microcephaly 1, primary, autosomal recessive. Last evaluated: 2018-01-12. Review status: criteria provided, single submitter. Criteria: ICSL Variant Classification Criteria 13 December 2019. Collection method: clinical testing. Allele origin: germline.
Comment: This variant was observed in the ICSL laboratory as part of a predisposition screen in an ostensibly healthy population. It had not been previously curated by ICSL or reported in the Human Gene Mutation Database (HGMD: prior to June 1st, 2018), and was therefore a candidate for classification through an automated scoring system. Utilizing variant allele frequency, disease prevalence and penetrance estimates, and inheritance mode, an automated score was calculated to assess if this variant is too frequent to cause the disease. Based on the score and internal cut-off values, a variant classified as benign is not then subjected to further curation. The score for this variant resulted in a classification of benign for this disease.

GeneDx
Classification: Benign. Last evaluated: 2016-02-04. Review status: criteria provided, single submitter. Criteria: GeneDx Variant Classification (06012015). Collection method: clinical testing. Allele origin: germline. Affected: yes.
Comment: This variant is considered likely benign or benign based on one or more of the following criteria: it is a conservative change, it occurs at a poorly conserved position in the protein, it is predicted to be benign by multiple in silico algorithms, and/or has population frequency not consistent with disease.

Genetic Services Laboratory, University of Chicago
Classification: Benign. Last evaluated: 2013-02-08. Review status: criteria provided, single submitter. Criteria: ACMG Guidelines, 2007. Collection method: clinical testing. Allele origin: germline. Inheritance: Autosomal recessive inheritance.

Breakthrough Genomics
Classification: Benign. Review status: criteria provided, single submitter. Criteria: ACMG Guidelines, 2015. Collection method: not provided. Allele origin: germline. Inheritance: Autosomal recessive inheritance. Affected: yes.

Clinical Genetics DNA and cytogenetics Diagnostics Lab, Erasmus MC, Erasmus Medical Center
Classification: Benign. Review status: no assertion criteria provided. Collection method: clinical testing. Allele origin: germline. Affected: yes. Study: VKGL Data-share Consensus. Not counted in ClinVar's aggregate classification.

Joint Genome Diagnostic Labs from Nijmegen and Maastricht, Radboudumc and MUMC+
Classification: Benign. Review status: no assertion criteria provided. Collection method: clinical testing. Allele origin: germline. Affected: yes. Study: VKGL Data-share Consensus. Not counted in ClinVar's aggregate classification.

Laboratory of Diagnostic Genome Analysis, Leiden University Medical Center (LUMC)
Classification: Likely benign. Review status: no assertion criteria provided. Collection method: clinical testing. Allele origin: germline. Affected: yes. Study: VKGL Data-share Consensus. Not counted in ClinVar's aggregate classification.